The following is an entry in ClinVar:

ClinVar aggregate classification (germline): Uncertain significance. Review status: criteria provided, multiple submitters, no conflicts (2 of 4 stars). 2 submissions from 2 submitters: Uncertain significance (2). Last evaluated 2024-09-24.

Conditions:
Renal cell carcinoma. Identifiers: Orphanet 217071, MedGen C0007134, MeSH D002292, MONDO:0005086, HP:0005584.
Hereditary cancer-predisposing syndrome. Also called: Neoplastic Syndromes, Hereditary; Hereditary Cancer Syndrome; Tumor predisposition; Hereditary neoplastic syndrome. Identifiers: Orphanet 140162, MedGen C0027672, MeSH D009386, MONDO:0015356.

gnomAD v4.1: 1 of 1,613,828 alleles (0.000062%); no homozygotes.

Submissions (2):

Ambry Genetics
Classification: Uncertain significance for Hereditary cancer-predisposing syndrome. Last evaluated: 2024-09-24. Review status: criteria provided, single submitter. Criteria: Ambry Variant Classification Scheme 2023. Collection method: clinical testing. Allele origin: germline.
Comment: The p.C26R variant (also known as c.76T>C), located in coding exon 1 of the MET gene, results from a T to C substitution at nucleotide position 76. The cysteine at codon 26 is replaced by arginine, an amino acid with highly dissimilar properties. This amino acid position is conserved. In addition, this alteration is predicted to be deleterious by in silico analysis. Based on the available evidence, the clinical significance of this variant remains unclear.

Labcorp Genetics (formerly Invitae), Labcorp
Classification: Uncertain significance for Renal cell carcinoma. Last evaluated: 2023-12-27. Review status: criteria provided, single submitter. Criteria: Invitae Variant Classification Sherloc (09022015). Collection method: clinical testing. Allele origin: germline.
Comment: This sequence change replaces cysteine, which is neutral and slightly polar, with arginine, which is basic and polar, at codon 26 of the MET protein (p.Cys26Arg). This variant is not present in population databases (gnomAD no frequency). This variant has not been reported in the literature in individuals affected with MET-related conditions. ClinVar contains an entry for this variant (Variation ID: 1378972). Advanced modeling of protein sequence and biophysical properties (such as structural, functional, and spatial information, amino acid conservation, physicochemical variation, residue mobility, and thermodynamic stability) performed at Invitae indicates that this missense variant is expected to disrupt MET protein function with a positive predictive value of 80%. In summary, the available evidence is currently insufficient to determine the role of this variant in disease. Therefore, it has been classified as a Variant of Uncertain Significance.

NM_000245.4(MET):c.76T>C (p.Cys26Arg)

Gene: MET (MET proto-oncogene, receptor tyrosine kinase; plus strand). Cytogenetic location: 7q31.2.
Variant type: single nucleotide variant.
Coding change: c.76T>C on transcript NM_000245.4 (MANE Select); coding-DNA position 76, T replaced by C.
Protein change: p.Cys26Arg; replaces cysteine 26 with arginine.
Molecular consequence: missense variant. On other transcripts: intron variant (1).
Genome position (GRCh38, 1-based): chr7:116,699,160, T>C. VCF-style: chr7-116699160-T-C. GRCh37 (hg19) VCF-style: chr7-116339214-T-C.
Other names: c.76T>C (NM_001127500.1); c.76T>C, p.Cys26Arg (NM_001127500.3, NM_001324401.3); c.-91+26583T>C (NM_001324402.2); short protein forms C26R.
Identifiers: ClinVar variation 1378972 (VCV001378972.9), dbSNP rs2116579595, ClinGen allele CA368968287.